The following is an entry in ClinVar:

NM_182493.3(MYLK3):c.1867G>T (p.Gly623Cys)

Gene: MYLK3 (myosin light chain kinase 3; minus strand). Cytogenetic location: 16q11.2.
Variant type: single nucleotide variant.
Coding change: c.1867G>T on transcript NM_182493.3 (MANE Select); coding-DNA position 1867, G replaced by T.
Protein change: p.Gly623Cys; replaces glycine 623 with cysteine.
Molecular consequence: missense variant.
Genome position (GRCh38, 1-based): chr16:46,727,283, C>A on the plus strand (G>T on the coding strand, the complement: MYLK3 is on the minus strand). VCF-style: chr16-46727283-C-A. GRCh37 (hg19) VCF-style: chr16-46761195-C-A.
Other names: c.844G>T, p.Gly282Cys (NM_001308301.1); short protein forms G623C, G282C.
Identifiers: ClinVar variation 3009344 (VCV003009344.3), dbSNP rs2548903709, ClinGen allele CA395789773.
Genomic context (GRCh38, chr16:46,727,283, plus strand): 5'-GGGCAGAACCCACCTTGAGGTCCAGGTGCAGGATGTAGTGCTGGTGCAGGTAATGCACAC[C>A]CTCACAGATCTGCCTGGTGAACAGGACCACATCCAGCTCAGTCAGGTGGTACTTCTCATC-3'
Protein context (NP_872299.2, residues 613-633): VVLFTRQICE[Gly623Cys]VHYLHQHYIL

ClinVar aggregate classification (germline): Uncertain significance (1 of 4 stars; one submission).

Allele frequency attached by ClinVar (database versions not stated): gnomAD exomes below 0.00001.
gnomAD v4.1: 1 of 1,614,108 alleles (0.000062%); highest among the groups gnomAD compares: Non-Finnish European, 0.000085%; no homozygotes.

Submission:

Labcorp Genetics (formerly Invitae), Labcorp
Classification: Uncertain significance. Last evaluated: 2023-01-12. Review status: criteria provided, single submitter. Criteria: Invitae Variant Classification Sherloc (09022015). Collection method: clinical testing. Allele origin: germline.
Comment: Algorithms developed to predict the effect of missense changes on protein structure and function are either unavailable or do not agree on the potential impact of this missense change (SIFT: "Tolerated"; PolyPhen-2: "Probably Damaging"; Align-GVGD: "Class C15"). In summary, the available evidence is currently insufficient to determine the role of this variant in disease. Therefore, it has been classified as a Variant of Uncertain Significance. This sequence change replaces glycine, which is neutral and non-polar, with cysteine, which is neutral and slightly polar, at codon 623 of the MYLK3 protein (p.Gly623Cys). This variant is not present in population databases (gnomAD no frequency). This variant has not been reported in the literature in individuals affected with MYLK3-related conditions.